The following is an entry in ClinVar:

NM_003705.5(SLC25A12):c.67-6T>A

Gene: SLC25A12 (solute carrier family 25 member 12; minus strand). Cytogenetic location: 2q31.1.
Variant type: single nucleotide variant.
Coding change: c.67-6T>A on transcript NM_003705.5 (MANE Select); 6 bases into the intron before coding-DNA position 67, T replaced by A.
Molecular consequence: intron variant.
Genome position (GRCh38, 1-based): chr2:171,868,829, A>T on the plus strand (T>A on the coding strand, the complement: SLC25A12 is on the minus strand). VCF-style: chr2-171868829-A-T. GRCh37 (hg19) VCF-style: chr2-172725339-A-T.
Identifiers: ClinVar variation 626170 (VCV000626170.2), dbSNP rs1302626614, ClinGen allele CA537819721.
Genomic context (GRCh38, chr2:171,868,829, plus strand): 5'-GAACAAAGTCTTCTGGGGTCATATAACGCTCTCCATCAACCTCAGTACTGGCATACTAAA[A>T]AAATAAATAAATAATGCATACTGAAAAATTATCCAATATCATTTTATATCCAATAAATGG-3'

ClinVar aggregate classification (germline): Uncertain significance (1 of 4 stars; one submission).

Conditions:
Developmental and epileptic encephalopathy, 39 (DEE39). Also called: DEVELOPMENTAL AND EPILEPTIC ENCEPHALOPATHY 39 WITH LEUKODYSTROPHY. Identifiers: Orphanet 353217, MedGen C2751855, MONDO:0013056, OMIM 612949.

Allele frequency attached by ClinVar (database versions not stated): gnomAD 0.00001.
gnomAD v4.1: 3 of 1,605,314 alleles (0.00019%); highest among the groups gnomAD compares: African/African-American, 0.0027%; no homozygotes.

Submission:

Center for Genomics, Ann and Robert H. Lurie Children's Hospital of Chicago
Classification: Uncertain significance for Developmental and epileptic encephalopathy, 39. Last evaluated: 2021-03-30. Review status: criteria provided, single submitter. Criteria: ACMG Guidelines, 2015. Collection method: clinical testing. Allele origin: germline.
Comment: SLC25A12 NM_003705.4 exon 3 c.67-6T>A: This variant has not been reported in the literature and is not present in large control databases. Evolutionary conservation and computational predictive tools for this variant are limited or unavailable. This variant is an intronic variant; splice prediction tools suggest that this variant may not affect splicing. However, further studies are needed to understand its impact. In summary, data on this variant is insufficient for disease classification. Therefore, the clinical significance of this variant is uncertain.